The following is an entry in ClinVar:

ClinVar aggregate classification (germline): Pathogenic/Likely pathogenic. Review status: criteria provided, multiple submitters, no conflicts (2 of 4 stars). 3 submissions from 3 submitters: Pathogenic (1); Likely pathogenic (1). 1 of the submissions does not count toward it. Last evaluated 2025-04-14.

Conditions:
Neurofibromatosis, type 1 (NF1). Also called: VON RECKLINGHAUSEN DISEASE; NEUROFIBROMATOSIS, TYPE I, SOMATIC; Peripheral type neurofibromatosis; Neurofibromatosis, type I. Identifiers: Orphanet 636, MedGen C0027831, MONDO:0018975, OMIM 162200. Disease mechanism: loss of function.

Submissions (3):

3billion
Classification: Pathogenic for Neurofibromatosis, type 1. Last evaluated: 2025-04-14. Review status: criteria provided, single submitter. Criteria: ACMG Guidelines, 2015. Collection method: clinical testing. Allele origin: germline. Affected: yes.
Comment: The variant is not observed in the gnomAD v4.1.0 dataset. Predicted Consequence/Location: Frameshift: predicted to result in a loss or disruption of normal protein function through nonsense-mediated decay (NMD) or protein truncation. Multiple pathogenic variants are reported downstream of the variant. The variant has been observed in at least two similarly affected unrelated individuals (PMID: 29620724, 32860008). The variant has been reported at least twice as pathogenic without evidence for the classification (ClinVar ID: VCV000800769 / PMID: 29620724).Therefore, this variant is classified as Pathogenic according to the recommendation of ACMG/AMP guideline.

CENTOGENE GmbH and LLC - Guiding Precision Medicine
Classification: Likely pathogenic for Neurofibromatosis, type 1. Review status: criteria provided, single submitter. Criteria: ACMG Guidelines, 2015. Collection method: clinical testing. Allele origin: germline. Affected: yes.

Biochemical Molecular Genetic Laboratory, King Abdulaziz Medical City
Classification: Likely pathogenic for Neurofibromatosis, type 1. Last evaluated: 2019-01-29. Review status: no assertion criteria provided. Collection method: clinical testing. Allele origin: germline. Affected: yes. Not counted in ClinVar's aggregate classification.

Literature cited by the submitters: PubMed 32860008 (cited by 3billion and CENTOGENE GmbH and LLC - Guiding Precision Medicine); PubMed 29620724 (cited by 3billion).

NM_001042492.3(NF1):c.2998_2999del (p.Arg1000fs)

Gene: NF1 (neurofibromin 1; plus strand). Cytogenetic location: 17q11.2.
Variant type: Deletion.
Coding change: c.2998_2999del on transcript NM_001042492.3 (MANE Select); coding-DNA positions 2998 to 2999, 2 bases deleted (CG; older notation c.2998_2999delCG).
Protein change: p.Arg1000fs; shifts the reading frame from arginine 1000.
Molecular consequence: frameshift variant.
Genome position (GRCh38, 1-based): chr17:31,230,267-31,230,268, CG deleted. VCF-style (leftmost placement, unchanged base first): chr17-31230266-TCG-T. GRCh37 (hg19) VCF-style: chr17-29557284-TCG-T.
Other names: c.2998_2999delCG, p.Arg1000Cysfs (NM_000267.4, NM_001042492.2); short protein forms R1000fs.
Identifiers: ClinVar variation 800769 (VCV000800769.3), dbSNP rs1597716817, ClinGen allele CA915949833.